The following is an entry in ClinVar:

NM_003193.5(TBCE):c.22del (p.Asp8fs)

Gene: TBCE (tubulin folding cofactor E; plus strand). Cytogenetic location: 1q42.3.
Variant type: Deletion.
Coding change: c.22del on transcript NM_003193.5 (MANE Select); coding-DNA position 22, one base deleted (G; older notation c.22delG).
Protein change: p.Asp8fs; shifts the reading frame from aspartic acid 8.
Molecular consequence: frameshift variant. On other transcripts: 5 prime UTR variant (1).
Genome position (GRCh38, 1-based): chr1:235,380,071, G deleted; the last of 2 consecutive G bases (chr1:235,380,070-235,380,071); deleting either gives the same sequence. VCF-style (leftmost placement, unchanged base first): chr1-235380069-CG-C. GRCh37 (hg19) VCF-style: chr1-235543384-CG-C.
Other names: c.22del, p.Asp8fs (NM_001079515.3, NM_001287801.2); c.-289del (NM_001287802.2); short protein forms D8fs.
Identifiers: ClinVar variation 2870059 (VCV002870059.3), dbSNP rs780909684, ClinGen allele CA1463871.

ClinVar aggregate classification (germline): Pathogenic (1 of 4 stars; one submission).

Submission:

Labcorp Genetics (formerly Invitae), Labcorp
Classification: Pathogenic. Last evaluated: 2023-11-28. Review status: criteria provided, single submitter. Criteria: Invitae Variant Classification Sherloc (09022015). Collection method: clinical testing. Allele origin: germline.
Comment: This sequence change creates a premature translational stop signal (p.Asp8Metfs*30) in the TBCE gene. It is expected to result in an absent or disrupted protein product. Loss-of-function variants in TBCE are known to be pathogenic (PMID: 27666369, 34134906, 34356170). This variant is not present in population databases (gnomAD no frequency). This variant has not been reported in the literature in individuals affected with TBCE-related conditions. For these reasons, this variant has been classified as Pathogenic.

Literature cited by the submitters: PubMed 27666369; PubMed 34134906; PubMed 34356170.